The following is an entry in ClinVar:

NM_001015880.2(PAPSS2):c.1078del (p.His360fs)

Gene: PAPSS2 (3'-phosphoadenosine 5'-phosphosulfate synthase 2; plus strand). Cytogenetic location: 10q23.31.
Variant type: Deletion.
Coding change: c.1078del on transcript NM_001015880.2 (MANE Select); coding-DNA position 1078, one base deleted (C; older notation c.1078delC).
Protein change: p.His360fs; shifts the reading frame from histidine 360.
Molecular consequence: frameshift variant.
Genome position (GRCh38, 1-based): chr10:87,727,481, C deleted; the last of 5 consecutive C bases (chr10:87,727,477-87,727,481); deleting any one gives the same sequence. VCF-style (leftmost placement, unchanged base first): chr10-87727476-AC-A. GRCh37 (hg19) VCF-style: chr10-89487233-AC-A.
Other names: c.1063del, p.His355fs (NM_004670.4); short protein forms H355fs, H360fs.
Identifiers: ClinVar variation 988389 (VCV000988389.5), dbSNP rs1853674954, ClinGen allele CA1139661596.
Genomic context (GRCh38, chr10:87,727,476, plus strand): 5'-TCTATGAACACAGAAAAGAGGAACGCTGTTCCCGTGTTTGGGGGACAACATGTACAAAAC[AC>A]CCCCATATCAAAGTAAGTCACAAAACCTTTGGAAGGACTTTCTTGAGCTATTTAAACTGA-3'

ClinVar aggregate classification (germline): Pathogenic. Review status: criteria provided, multiple submitters, no conflicts (2 of 4 stars). 3 submissions from 3 submitters: Pathogenic (3). Last evaluated 2024-08-21.

Conditions:
PAPSS2-related disorder. Also called: PAPSS2-related condition.
Spondyloepimetaphyseal dysplasia, PAPSS2 type. Also called: SEMD, PAKISTANI TYPE; BRACHYOLMIA TYPE 4 WITH MILD EPIPHYSEAL AND METAPHYSEAL CHANGES; SPONDYLODYSPLASIA AND PREMATURE PUBARCHE. Identifiers: Orphanet 93282, MedGen C2748516, MONDO:0019666, OMIM 612847.

Submissions (3):

Labcorp Genetics (formerly Invitae), Labcorp
Classification: Pathogenic for Spondyloepimetaphyseal dysplasia, PAPSS2 type. Last evaluated: 2024-08-21. Review status: criteria provided, single submitter. Criteria: Invitae Variant Classification Sherloc (09022015). Collection method: clinical testing. Allele origin: germline.
Comment: This sequence change creates a premature translational stop signal (p.His360Ilefs*5) in the PAPSS2 gene. It is expected to result in an absent or disrupted protein product. Loss-of-function variants in PAPSS2 are known to be pathogenic (PMID: 22791835, 23633440). This variant is not present in population databases (gnomAD no frequency). This premature translational stop signal has been observed in individual(s) with brachyolmia (PMID: 27544198). This variant is also known as c.1063delC. ClinVar contains an entry for this variant (Variation ID: 988389). For these reasons, this variant has been classified as Pathogenic.

Blueprint Genetics
Classification: Pathogenic for PAPSS2-related disorders. Last evaluated: 2022-03-04. Review status: criteria provided, single submitter. Criteria: ACMG Guidelines, 2015. Collection method: clinical testing. Allele origin: germline. Affected: yes. Observed: 3 variant alleles.

Clinical Genetics and Genomics, Karolinska University Hospital
Classification: Pathogenic. Last evaluated: 2018-05-16. Review status: criteria provided, single submitter. Criteria: ACMG Guidelines, 2015. Collection method: clinical testing. Allele origin: germline. Affected: yes. Observed: 2 variant alleles.

Literature cited by the submitters: PubMed 22791835 (cited by Labcorp Genetics (formerly Invitae), Labcorp); PubMed 23633440 (cited by Labcorp Genetics (formerly Invitae), Labcorp); PubMed 27544198 (cited by Labcorp Genetics (formerly Invitae), Labcorp).